The following is an entry in ClinVar:

NM_001113378.2(FANCI):c.2977T>A (p.Ser993Thr)

Gene: FANCI (FA complementation group I; plus strand). Cytogenetic location: 15q26.1.
Variant type: single nucleotide variant.
Coding change: c.2977T>A on transcript NM_001113378.2 (MANE Select); coding-DNA position 2977, T replaced by A.
Protein change: p.Ser993Thr; replaces serine 993 with threonine.
Molecular consequence: missense variant.
Genome position (GRCh38, 1-based): chr15:89,301,413, T>A. VCF-style: chr15-89301413-T-A. GRCh37 (hg19) VCF-style: chr15-89844644-T-A.
Other names: c.2698T>A, p.Ser900Thr (NM_001376910.1); c.2977T>A, p.Ser993Thr (NM_001376911.1); c.2797T>A, p.Ser933Thr (NM_018193.3); short protein forms S933T, S900T, S993T.
Identifiers: ClinVar variation 885755 (VCV000885755.8), dbSNP rs1194951081, ClinGen allele CA393737908.

ClinVar aggregate classification (germline): Uncertain significance. Review status: criteria provided, multiple submitters, no conflicts (2 of 4 stars). 4 submissions from 4 submitters: Uncertain significance (4). Last evaluated 2024-07-09.

Conditions:
Inborn genetic diseases. Identifiers: MedGen C0950123, MeSH D030342.
Fanconi anemia (FA). Also called: Fanconi's anemia. Identifiers: Orphanet 84, MedGen C0015625, MeSH D005199, MONDO:0019391.
Fanconi anemia complementation group I (FANCI). Also called: FANCI-Related Fanconi Anemia. Identifiers: Orphanet 84, MedGen C1836861, MONDO:0012186, OMIM 609053.

Allele frequency attached by ClinVar (database versions not stated): TOPMed below 0.00001; gnomAD exomes 0.00001 and 0.00002.
gnomAD v4.1: 9 of 1,614,134 alleles (0.00056%); highest among the groups gnomAD compares: Non-Finnish European, 0.00017%; no homozygotes.

Submissions (4):

Ambry Genetics
Classification: Uncertain significance for Inborn genetic diseases. Last evaluated: 2024-07-09. Review status: criteria provided, single submitter. Criteria: Ambry Variant Classification Scheme 2023. Collection method: clinical testing. Allele origin: germline.

Fulgent Genetics
Classification: Uncertain significance for Fanconi anemia complementation group I. Last evaluated: 2022-02-16. Review status: criteria provided, single submitter. Criteria: ACMG Guidelines, 2015. Collection method: clinical testing. Allele origin: unknown.

Labcorp Genetics (formerly Invitae), Labcorp
Classification: Uncertain significance for Fanconi anemia. Last evaluated: 2021-11-22. Review status: criteria provided, single submitter. Criteria: Invitae Variant Classification Sherloc (09022015). Collection method: clinical testing. Allele origin: germline.
Comment: This sequence change replaces serine, which is neutral and polar, with threonine, which is neutral and polar, at codon 993 of the FANCI protein (p.Ser993Thr). This variant is present in population databases (no rsID available, gnomAD 0.03%). This variant has not been reported in the literature in individuals affected with FANCI-related conditions. ClinVar contains an entry for this variant (Variation ID: 885755). Algorithms developed to predict the effect of missense changes on protein structure and function (SIFT, PolyPhen-2, Align-GVGD) all suggest that this variant is likely to be tolerated. In summary, the available evidence is currently insufficient to determine the role of this variant in disease. Therefore, it has been classified as a Variant of Uncertain Significance.

Illumina Laboratory Services, Illumina
Classification: Uncertain significance for Fanconi anemia complementation group I. Last evaluated: 2018-01-13. Review status: criteria provided, single submitter. Criteria: ICSL Variant Classification Criteria 13 December 2019. Collection method: clinical testing. Allele origin: germline.